The following is an entry in ClinVar:

NM_001110556.2(FLNA):c.4756-174C>G

Gene: FLNA (filamin A; minus strand). Cytogenetic location: Xq28.
Variant type: single nucleotide variant.
Coding change: c.4756-174C>G on transcript NM_001110556.2 (MANE Select); 174 bases into the intron before coding-DNA position 4756, C replaced by G.
Molecular consequence: intron variant.
Genome position (GRCh38, 1-based): chrX:154,357,797, G>C on the plus strand (C>G on the coding strand, the complement: FLNA is on the minus strand). VCF-style: chrX-154357797-G-C. GRCh37 (hg19) VCF-style: chrX-153586165-G-C.
Other names: c.4756-174C>G (NM_001456.4).
Identifiers: ClinVar variation 674527 (VCV000674527.1), dbSNP rs2070829, ClinGen allele CA337278797.

ClinVar aggregate classification (germline): Benign (1 of 4 stars; one submission).

Allele frequency attached by ClinVar (database versions not stated): gnomAD 0.10329 and 0.10555; TOPMed 0.10585; 1000 Genomes Project 0.11497; 1000 Genomes Project 30x 0.11821.
gnomAD v4.1: 11,791 of 112,380 alleles (10%); highest among the groups gnomAD compares: South Asian, 17%; 490 homozygotes.

Submission:

GeneDx
Classification: Benign. Last evaluated: 2018-06-14. Review status: criteria provided, single submitter. Criteria: GeneDx Variant Classification (06012015). Collection method: clinical testing. Allele origin: germline. Affected: yes.
Comment: This variant is considered likely benign or benign based on one or more of the following criteria: it is a conservative change, it occurs at a poorly conserved position in the protein, it is predicted to be benign by multiple in silico algorithms, and/or has population frequency not consistent with disease.